The following is an entry in ClinVar:

NM_016507.4(CDK12):c.1303G>C (p.Val435Leu)

Gene: CDK12 (cyclin dependent kinase 12; plus strand). Cytogenetic location: 17q12.
Variant type: single nucleotide variant.
Coding change: c.1303G>C on transcript NM_016507.4 (MANE Select); coding-DNA position 1303, G replaced by C.
Protein change: p.Val435Leu; replaces valine 435 with leucine.
Molecular consequence: missense variant.
Genome position (GRCh38, 1-based): chr17:39,471,135, G>C. VCF-style: chr17-39471135-G-C. GRCh37 (hg19) VCF-style: chr17-37627388-G-C.
Other names: c.1303G>C, p.Val435Leu (NM_015083.4); short protein forms V435L.
Identifiers: ClinVar variation 3830511 (VCV003830511.1).

ClinVar aggregate classification (germline): Uncertain significance (1 of 4 stars; one submission).

gnomAD v4.1: 2 of 1,598,398 alleles (0.00013%); highest among the groups gnomAD compares: Non-Finnish European, 0.00017%; no homozygotes.

Submission:

Ambry Genetics
Classification: Uncertain significance. Last evaluated: 2025-01-16. Review status: criteria provided, single submitter. Criteria: Ambry Variant Classification Scheme 2023. Collection method: clinical testing. Allele origin: germline.
Comment: The p.V435L variant (also known as c.1303G>C), located in coding exon 2 of the CDK12 gene, results from a G to C substitution at nucleotide position 1303. The valine at codon 435 is replaced by leucine, an amino acid with highly similar properties. This amino acid position is conserved. In addition, this alteration is predicted to be tolerated by in silico analysis. Based on the available evidence, the clinical significance of this variant remains unclear.